The following is an entry in ClinVar:

NM_017739.4(POMGNT1):c.1539+1G>T

Genes: POMGNT1 (protein O-linked mannose N-acetylglucosaminyltransferase 1 (beta 1,2-); minus strand), TSPAN1 (tetraspanin 1; plus strand). Cytogenetic location: 1p34.1.
Variant type: single nucleotide variant.
Coding change: c.1539+1G>T on transcript NM_017739.4 (MANE Select); the canonical splice donor site of the intron after coding-DNA position 1539, G replaced by T.
Molecular consequence: splice donor variant.
Genome position (GRCh38, 1-based): chr1:46,192,097, C>A on the plus strand (G>T on the coding strand, the complement: POMGNT1 is on the minus strand). VCF-style: chr1-46192097-C-A. GRCh37 (hg19) VCF-style: chr1-46657769-C-A.
Other names: c.1539+1G>T (NM_001243766.2, NM_001438686.1, NM_001438688.1 and 3 more transcripts); c.1473+1G>T (NM_001290129.3, NM_001438691.1, NM_001438692.1); c.1110+1G>T (NM_001290130.2).
Identifiers: ClinVar variation 56583 (VCV000056583.9), dbSNP rs138642840, ClinGen allele CA263949.

ClinVar aggregate classification (germline): Pathogenic. Review status: criteria provided, multiple submitters, no conflicts (2 of 4 stars). 4 submissions from 4 submitters: Pathogenic (2). 2 of the submissions do not count toward it. Last evaluated 2024-03-20.

Conditions:
Autosomal recessive limb-girdle muscular dystrophy type 2O. Also called: MUSCULAR DYSTROPHY-DYSTROGLYCANOPATHY (LIMB-GIRDLE), TYPE C, 3; MUSCULAR DYSTROPHY-DYSTROGLYCANOPATHY, LIMB-GIRDLE, POMGNT1-RELATED; Limb-Girdle Muscular Dystrophy Type 3C. Identifiers: Orphanet 206564, MedGen C3150417, MONDO:0013161, OMIM 613157.
Muscular dystrophy-dystroglycanopathy (congenital with impaired intellectual development), type B, 3. Also called: Muscular dystrophy-dystroglycanopathy (congenital with intellectual disability), type B3; MUSCULAR DYSTROPHY, CONGENITAL, POMGNT1-RELATED. Identifiers: MedGen C3150412, MONDO:0013155, OMIM 613151.
Muscular dystrophy-dystroglycanopathy (congenital with brain and eye anomalies), type A3. Also called: Muscular dystrophy-dystroglycanopathy (congenital with brain and eye anomalies), type A, 3; Congenital muscular dystrophy-dystroglycanopathy with brain and eye anomalies, type A3; WALKER-WARBURG SYNDROME OR MUSCLE-EYE-BRAIN DISEASE, POMGNT1-RELATED. Identifiers: MedGen C3151519, MONDO:0009667, OMIM 253280.
Muscle eye brain disease (MEB). Also called: Santavuori congenital muscular dystrophy. Identifiers: Orphanet 588, Orphanet 899, MedGen C0457133, MONDO:0018939.

Submissions (4):

Natera, Inc.
Classification: Pathogenic for Muscle-eye-brain disease. Last evaluated: 2024-03-20. Review status: criteria provided, single submitter. Criteria: Natera Variant Classification Schema (03/2026). Collection method: clinical testing. Allele origin: germline.
Comment: The c.1539+1G>T variant in POMGNT1 is a canonical splice donor site variant predicted to affect pre-mRNA splicing, which may result in an abnormal transcript and altered protein product. This variant is expected to result in nonsense mediated decay, truncation, or a dysfunctional protein product. This variant is rare in the general population with a frequency below the threshold expected for the associated phenotype(s). This variant has been observed in one or more individuals affected with the associated recessive disease, as either homozygous or compound heterozygous with a second variant (PMID: 11709191). Another variant at this same site results in an alteration predicted to cause a similar molecular effect has been observed in individual(s) with the associated phenotype. Given the available evidence, this variant is classified as Pathogenic.

Labcorp Genetics (formerly Invitae), Labcorp
Classification: Pathogenic for Autosomal recessive limb-girdle muscular dystrophy type 2O; Muscular dystrophy-dystroglycanopathy (congenital with impaired intellectual development), type B, 3. Last evaluated: 2021-12-06. Review status: criteria provided, single submitter. Criteria: Invitae Variant Classification Sherloc (09022015). Collection method: clinical testing. Allele origin: germline.
Comment: ClinVar contains an entry for this variant (Variation ID: 56583). This variant is also known as IVS17+1G>T. Disruption of this splice site has been observed in individuals with muscle-eye-brain disease (PMID: 11709191). This variant is not present in population databases (gnomAD no frequency). This sequence change affects a donor splice site in intron 17 of the POMGNT1 gene. It is expected to disrupt RNA splicing. Variants that disrupt the donor or acceptor splice site typically lead to a loss of protein function (PMID: 16199547), and loss-of-function variants in POMGNT1 are known to be pathogenic (PMID: 19299310, 20816175, 21447391, 26908613, 27391550). Algorithms developed to predict the effect of sequence changes on RNA splicing suggest that this variant may disrupt the consensus splice site. For these reasons, this variant has been classified as Pathogenic.

Counsyl
Classification: Pathogenic for Muscular dystrophy-dystroglycanopathy (congenital with brain and eye anomalies), type A3. Last evaluated: 2017-07-26. Review status: no assertion criteria provided. Collection method: clinical testing. Allele origin: unknown. Not counted in ClinVar's aggregate classification.

Juha Muilu Group; Institute for Molecular Medicine Finland (FIMM)
Classification: Pathogenic for Muscle eye brain disease. Review status: no assertion criteria provided. Collection method: not provided. Allele origin: unknown. Not counted in ClinVar's aggregate classification.
Comment: FinDis database variant: This variant was not found or characterized by our laboratory, data were collected from public sources: see reference
ClinVar note: Converted during submission from pathogenic to Pathogenic.

Literature cited by the submitters: PubMed 11709191 (cited by 3 submitters); PubMed 16199547 (cited by Labcorp Genetics (formerly Invitae), Labcorp); PubMed 19299310 (cited by Labcorp Genetics (formerly Invitae), Labcorp); PubMed 20816175 (cited by Labcorp Genetics (formerly Invitae), Labcorp); PubMed 21447391 (cited by Labcorp Genetics (formerly Invitae), Labcorp); PubMed 26908613 (cited by Labcorp Genetics (formerly Invitae), Labcorp); PubMed 27391550 (cited by Labcorp Genetics (formerly Invitae), Labcorp); PubMed 25525159 (cited by Counsyl).